The following is an entry in ClinVar:

ClinVar aggregate classification (germline): Uncertain significance (1 of 4 stars; one submission).

Conditions:
Tuberous sclerosis syndrome (TSC). Also called: Tuberous Sclerosis Complex; Tuberous sclerosis. Identifiers: Orphanet 805, MedGen C0041341, MONDO:0001734.

Submission:

All of Us Research Program, National Institutes of Health
Classification: Uncertain significance for Tuberous sclerosis syndrome. Last evaluated: 2023-09-04. Review status: criteria provided, single submitter. Criteria: ACMG Guidelines, 2015. Collection method: clinical testing. Allele origin: germline. Inheritance: Autosomal dominant inheritance. Observed: 1 variant allele, 1 heterozygote.
Comment: This missense variant replaces valine with aspartic acid at codon 28 of the TSC1 protein. Computational prediction is inconclusive regarding the impact of this variant on protein structure and function (internally defined REVEL score threshold 0.5 < inconclusive < 0.7, PMID: 27666373). To our knowledge, functional studies have not been reported for this variant. This variant has not been reported in individuals affected with TSC1-related disorders in the literature. This variant has not been identified in the general population by the Genome Aggregation Database (gnomAD). The available evidence is insufficient to determine the role of this variant in disease conclusively. Therefore, this variant is classified as a Variant of Uncertain Significance.

This study involves interpretation of variants in research participants for the purpose of population health screening. Participant phenotype was not available at the time of variant classification. Additional details can be found in publication PMID: 35346344, PMCID: PMC8962531

NM_000368.5(TSC1):c.83T>A (p.Val28Asp)

Gene: TSC1 (TSC complex subunit 1; minus strand). Cytogenetic location: 9q34.13.
Variant type: single nucleotide variant.
Coding change: c.83T>A on transcript NM_000368.5 (MANE Select); coding-DNA position 83, T replaced by A.
Protein change: p.Val28Asp; replaces valine 28 with aspartic acid.
Molecular consequence: missense variant. On other transcripts: 5 prime UTR variant (16), non-coding transcript variant (5), intron variant (2).
Genome position (GRCh38, 1-based): chr9:132,928,790, A>T on the plus strand (T>A on the coding strand, the complement: TSC1 is on the minus strand). VCF-style: chr9-132928790-A-T. GRCh37 (hg19) VCF-style: chr9-135804177-A-T.
Other names: c.83T>A, p.Val28Asp (NM_001162426.2, NM_001162427.2, NM_001406592.1 and 21 more transcripts); c.-177T>A (NM_001362177.2, NM_001406617.1, NM_001406619.1 and 3 more transcripts); c.-269T>A (NM_001406614.1); c.-406T>A (NM_001406615.1, NM_001406623.1); c.-373T>A (NM_001406616.1, NM_001406624.1); c.-795T>A (NM_001406626.1, NM_001406627.1, NM_001406628.1); c.-937T>A (NM_001406629.1); c.-1011T>A (NM_001406630.1); and 1 more; short protein forms V28D.
Identifiers: ClinVar variation 3073308 (VCV003073308.1), dbSNP rs2539143116, ClinGen allele CA375375305.